The following is an entry in ClinVar:

NM_001318852.2(MAPK8IP3):c.1620G>A (p.Lys540=)

Gene: MAPK8IP3 (mitogen-activated protein kinase 8 interacting protein 3; plus strand). Cytogenetic location: 16p13.3.
Variant type: single nucleotide variant.
Coding change: c.1620G>A on transcript NM_001318852.2 (MANE Select); coding-DNA position 1620, G replaced by A.
Protein change: p.Lys540=; no amino-acid change (lysine 540 retained).
Molecular consequence: synonymous variant.
Genome position (GRCh38, 1-based): chr16:1,762,431, G>A. VCF-style: chr16-1762431-G-A. GRCh37 (hg19) VCF-style: chr16-1812432-G-A.
Other names: c.1599G>A, p.Lys533= (NM_001040439.2); c.1617G>A, p.Lys539= (NM_015133.5, NM_033392.3); c.1620G>A (NM_001318852.1).
Identifiers: ClinVar variation 3025634 (VCV003025634.22), dbSNP rs8052407, ClinGen allele CA7816940.

ClinVar aggregate classification (germline): Likely benign. Review status: criteria provided, single submitter (1 of 4 stars). 2 submissions from 2 submitters: Likely benign (1). 1 of the submissions does not count toward it. Last evaluated 2023-12-01.

Conditions:
MAPK8IP3-related disorder. Also called: MAPK8IP3-related condition.

Allele frequency attached by ClinVar (database versions not stated): gnomAD exomes 0.00019; ExAC 0.00095; 1000 Genomes Project 0.00200; 1000 Genomes Project 30x 0.00203; ESP Exome Variant Server 0.00218; gnomAD 0.00222; TOPMed 0.00266.
gnomAD v4.1: 637 of 1,609,296 alleles (0.04%); highest among the groups gnomAD compares: African/African-American, 0.75%; 4 homozygotes.

Submissions (2):

CeGaT Center for Human Genetics Tuebingen
Classification: Likely benign. Last evaluated: 2023-12-01. Review status: criteria provided, single submitter. Criteria: CeGaT Center For Human Genetics Tuebingen Variant Classification Criteria Version 2. Collection method: clinical testing. Allele origin: germline. Affected: yes. Observed: 1 variant allele.
Comment: MAPK8IP3: BP4, BP7, BS2

PreventionGenetics, part of Exact Sciences
Classification: Benign for MAPK8IP3-related condition. Last evaluated: 2020-01-06. Review status: no assertion criteria provided. Collection method: clinical testing. Allele origin: germline. Not counted in ClinVar's aggregate classification.
Comment: This variant is classified as benign based on ACMG/AMP sequence variant interpretation guidelines (Richards et al. 2015 PMID: 25741868, with internal and published modifications).